The following is an entry in ClinVar:

NM_016361.5(ACP6):c.379G>A (p.Val127Met)

Gene: ACP6 (acid phosphatase 6, lysophosphatidic; minus strand). Cytogenetic location: 1q21.2.
Variant type: single nucleotide variant.
Coding change: c.379G>A on transcript NM_016361.5 (MANE Select); coding-DNA position 379, G replaced by A.
Protein change: p.Val127Met; replaces valine 127 with methionine.
Molecular consequence: missense variant. On other transcripts: non-coding transcript variant (4).
Genome position (GRCh38, 1-based): chr1:147,659,496, C>T on the plus strand (G>A on the coding strand, the complement: ACP6 is on the minus strand). VCF-style: chr1-147659496-C-T. GRCh37 (hg19) VCF-style: chr1-147131611-C-T.
Other names: c.379G>A, p.Val127Met (NM_001323625.2); short protein forms V127M.
Identifiers: ClinVar variation 224824 (VCV000224824.2), dbSNP rs144959805, ClinGen allele CA357908.

ClinVar aggregate classification (germline): Likely pathogenic (1 of 4 stars; one submission).

Conditions:
Cerebral visual impairment and intellectual disability.

Allele frequency attached by ClinVar (database versions not stated): ExAC 0.00043; gnomAD 0.00045; TOPMed 0.00048; ESP Exome Variant Server 0.00085; gnomAD exomes 0.00097; 1000 Genomes Project 30x 0.00031; 1000 Genomes Project 0.00040.
gnomAD v4.1: 1,451 of 1,614,212 alleles (0.09%); highest among the groups gnomAD compares: Non-Finnish European, 0.12%; 2 homozygotes.

Submission:

Lupski Lab, Baylor-Hopkins CMG, Baylor College of Medicine
Classification: Likely pathogenic for Cerebral visual impairment and intellectual disability. Last evaluated: 2015-09-09. Review status: criteria provided, single submitter. Criteria: Bosch et al. (EJHG 2015). Collection method: research. Allele origin: germline. Affected: yes and no. Observed: 3 variant alleles, 2 heterozygotes, 1 homozygote.
Comment: This study shows that diverse genetic causes underlie CVI.